The following is an entry in ClinVar:

ClinVar aggregate classification (germline): Uncertain significance (1 of 4 stars; one submission).

Submission:

Athena Diagnostics
Classification: Uncertain significance. Last evaluated: 2024-05-22. Review status: criteria provided, single submitter. Criteria: Athena Diagnostics Criteria. Collection method: clinical testing. Allele origin: unknown.
Comment: Available data are insufficient to determine the clinical significance of the variant at this time. The frequency of this variant in the general population is uninformative in assessment of its pathogenicity. Computational tools yielded predictions that this variant is unlikely to have an effect on normal RNA splicing.

NM_001126121.2(SLC25A19):c.*2_*3inv

Genes: MIF4GD-DT (MIF4GD divergent transcript; plus strand), SLC25A19 (solute carrier family 25 member 19; minus strand). Cytogenetic location: 17q25.1.
Variant type: Inversion.
Coding change: c.*2_*3inv on transcript NM_001126121.2 (MANE Select).
Molecular consequence: 3 prime UTR variant. On other transcripts: non-coding transcript variant (1).
Genome position: GRCh38 VCF-style: chr17-75273448-CA-TG. GRCh37 (hg19) VCF-style: chr17-73269529-CA-TG.
Other names: c.*2_*3inv (NM_001126122.2, NM_021734.5).
Identifiers: ClinVar variation 3571985 (VCV003571985.1).
Genomic context (GRCh38, chr17:75,273,448, plus strand): 5'-GAGACTGAATCTTCCTTCCTTCAGGAGGCTGCCTCCAGGGAAGACCTGGGGTCCTTCCTG[CA>TG]CTCAGCGCTGGCTGGCTGTCCTGTTCATGCAGTGGAAGACATTACAGAAGAATTCATACG-3'